The following is an entry in ClinVar:

ClinVar aggregate classification (germline): Uncertain significance (1 of 4 stars; one submission).

Conditions:
Hereditary cancer-predisposing syndrome. Also called: Tumor predisposition; Hereditary neoplastic syndrome; Hereditary Cancer Syndrome; Neoplastic Syndromes, Hereditary. Identifiers: Orphanet 140162, MedGen C0027672, MeSH D009386, MONDO:0015356.

Submission:

Ambry Genetics
Classification: Uncertain significance for Hereditary cancer-predisposing syndrome. Last evaluated: 2025-05-08. Review status: criteria provided, single submitter. Criteria: Ambry Variant Classification Scheme 2023. Collection method: clinical testing. Allele origin: germline.
Comment: The c.1005C>T variant (also known as p.I335I), located in coding exon 8 of the POLD1 gene, results from a C to T substitution at nucleotide position 1005. This nucleotide substitution does not change the amino acid at codon 335. This nucleotide position is not well conserved in available vertebrate species. In silico splice site analysis for this alteration is inconclusive. Based on the available evidence, the clinical significance of this variant remains unclear.

NM_002691.4(POLD1):c.1005C>T (p.Ile335=)

Gene: POLD1 (DNA polymerase delta 1, catalytic subunit; plus strand). Cytogenetic location: 19q13.33.
Variant type: single nucleotide variant.
Coding change: c.1005C>T on transcript NM_002691.4 (MANE Select); coding-DNA position 1005, C replaced by T.
Protein change: p.Ile335=; no amino-acid change (isoleucine 335 retained).
Molecular consequence: synonymous variant. On other transcripts: non-coding transcript variant (1).
Genome position (GRCh38, 1-based): chr19:50,403,087, C>T. VCF-style: chr19-50403087-C-T. GRCh37 (hg19) VCF-style: chr19-50906344-C-T.
Other names: c.1005C>T, p.Ile335= (NM_001256849.1, NM_001308632.1).
Identifiers: ClinVar variation 3935568 (VCV003935568.1).